The following is an entry in ClinVar:

ClinVar aggregate classification (germline): Likely benign (1 of 4 stars; one submission).

gnomAD v4.1: 37 of 398,634 alleles (0.0093%); highest among the groups gnomAD compares: African/African-American, 0.049%; no homozygotes.

Submission:

CeGaT Center for Human Genetics Tuebingen
Classification: Likely benign. Last evaluated: 2024-07-01. Review status: criteria provided, single submitter. Criteria: CeGaT Center For Human Genetics Tuebingen Variant Classification Criteria Version 2. Collection method: clinical testing. Allele origin: germline. Affected: yes. Observed: 1 variant allele.
Comment: CSNK2A1: PP2, BS2

NM_177559.3(CSNK2A1):c.213+1537A>G

Gene: CSNK2A1 (casein kinase 2 alpha 1; minus strand). Cytogenetic location: 20p13.
Variant type: single nucleotide variant.
Coding change: c.213+1537A>G on transcript NM_177559.3 (MANE Select); 1537 bases into the intron after coding-DNA position 213, A replaced by G.
Molecular consequence: intron variant.
Genome position (GRCh38, 1-based): chr20:503,581, T>C on the plus strand (A>G on the coding strand, the complement: CSNK2A1 is on the minus strand). VCF-style: chr20-503581-T-C. GRCh37 (hg19) VCF-style: chr20-484225-T-C.
Other names: c.-196+1537A>G (NM_177560.3); c.213+1537A>G (NM_001362771.2, NM_001895.4, NM_001362770.2).
Identifiers: ClinVar variation 3257131 (VCV003257131.17).